The following is an entry in ClinVar:

NR_003051.4(RMRP):n.57C>G

Gene: RMRP (RNA component of mitochondrial RNA processing endoribonuclease; minus strand). Cytogenetic location: 9p13.3.
Variant type: single nucleotide variant.
Genome position: GRCh38 VCF-style: chr9-35657963-G-C. GRCh37 (hg19) VCF-style: chr9-35657960-G-C.
Identifiers: ClinVar variation 970368 (VCV000970368.6), dbSNP rs999349961, ClinGen allele CA192745675.

ClinVar aggregate classification (germline): Uncertain significance. Review status: reviewed by expert panel (3 of 4 stars). 3 submissions from 3 submitters: Uncertain significance (1). 2 of the submissions do not count toward it. Last evaluated 2025-06-10.

Conditions:
Metaphyseal chondrodysplasia, McKusick type (CHH). Also called: Cartilage-hair hypoplasia; Cartilage-Hair Hypoplasia (CHH). Identifiers: Orphanet 175, MedGen C0220748, MONDO:0009595, OMIM 250250.
Anauxetic dysplasia. Identifiers: Orphanet 93347, MedGen C1846796, MONDO:0011773.

Allele frequency attached by ClinVar (database versions not stated): TOPMed 0.00001.
gnomAD v4.1: 4 of 700,288 alleles (0.00057%); highest among the groups gnomAD compares: Admixed American, 0.002%; no homozygotes.

Submissions (3):

ClinGen Severe Combined Immunodeficiency Variant Curation Expert Panel, ClinGen
Classification: Uncertain significance for Metaphyseal chondrodysplasia, McKusick type. Last evaluated: 2025-06-10. Review status: reviewed by expert panel. Criteria: ClinGen SCID ACMG Specifications RMRP V1.0.0. Collection method: curation. Allele origin: germline. Inheritance: Autosomal recessive inheritance.
Comment: This variant has been identified in 4 individuals among 700288 (0.000005712) in gnomAD v4.1.0. It has an AF of 0.00001999 in admixed Americans and a Grpmax Filtering AF of 0.000002080, which is below the threshold established by the SCID VCEP (<0.0000447). Therefore this criterion is met: PM2_Supporting. The variant has not been described in patients with cartilage-hair hypoplasia or in trans with any other RMRP variant. In summary, this variant is classified as Uncertain Significance for Autosomal Recessive Cartilage Hair Hypoplasia based on the ACMG/AMP criteria applied, as specified by the ClinGen SCID VCEP: PM2_Supporting (SCID VCEP specifications version 1).

Labcorp Genetics (formerly Invitae), Labcorp
Classification: Uncertain significance for Anauxetic dysplasia. Last evaluated: 2022-08-08. Review status: criteria provided, single submitter. Criteria: Invitae Variant Classification Sherloc (09022015). Collection method: clinical testing. Allele origin: germline. Not counted in ClinVar's aggregate classification.
Comment: This variant occurs in the RMRP gene, which encodes an RNA molecule that does not result in a protein product. This variant is present in population databases (no rsID available, gnomAD 0.004%). This variant has not been reported in the literature in individuals affected with RMRP-related conditions. ClinVar contains an entry for this variant (Variation ID: 970368). Experimental studies and prediction algorithms are not available or were not evaluated, and the functional significance of this variant is currently unknown. In summary, the available evidence is currently insufficient to determine the role of this variant in disease. Therefore, it has been classified as a Variant of Uncertain Significance.

Natera, Inc.
Classification: Uncertain significance for Cartilage-hair hypoplasia. Last evaluated: 2020-10-20. Review status: no assertion criteria provided. Collection method: clinical testing. Allele origin: germline. Not counted in ClinVar's aggregate classification.